The following is an entry in ClinVar:

NM_201384.3(PLEC):c.287G>A (p.Arg96His)

Gene: PLEC (plectin; minus strand). Cytogenetic location: 8q24.3.
Variant type: single nucleotide variant.
Coding change: c.287G>A on transcript NM_201384.3 (MANE Select); coding-DNA position 287, G replaced by A.
Protein change: p.Arg96His; replaces arginine 96 with histidine.
Molecular consequence: missense variant.
Genome position (GRCh38, 1-based): chr8:143,937,220, C>T on the plus strand (G>A on the coding strand, the complement: PLEC is on the minus strand). VCF-style: chr8-143937220-C-T. GRCh37 (hg19) VCF-style: chr8-145011388-C-T.
Other names: c.368G>A, p.Arg123His (NM_000445.5, NM_001410941.1); c.245G>A, p.Arg82His (NM_201378.4); c.221G>A, p.Arg74His (NM_201379.3); c.698G>A, p.Arg233His (NM_201380.4); c.191G>A, p.Arg64His (NM_201381.3); c.287G>A, p.Arg96His (NM_201382.4); c.299G>A, p.Arg100His (NM_201383.3); short protein forms R233H, R74H, R82H, R64H, R123H, R96H, R100H.
Identifiers: ClinVar variation 2165025 (VCV002165025.4), dbSNP rs371878635, ClinGen allele CA187625754.

ClinVar aggregate classification (germline): Uncertain significance (1 of 4 stars; one submission).

Conditions:
Epidermolysis bullosa simplex 5B, with muscular dystrophy (EBS5B). Also called: Epidermolysis bullosa simplex with muscular dystrophy; EPIDERMOLYSIS BULLOSA SIMPLEX AND LIMB-GIRDLE MUSCULAR DYSTROPHY. Identifiers: Orphanet 257, MedGen C2931072, MONDO:0009181, OMIM 226670.
Epidermolysis bullosa simplex, Ogna type (EBS5A). Also called: Pidermolysis bullosa simplex 5A, Ogna type; EPIDERMOLYSIS BULLOSA SIMPLEX 5A, OGNA TYPE. Identifiers: Orphanet 79401, MedGen C0432317, MONDO:0007555, OMIM 131950.
Epidermolysis bullosa simplex 5C, with pyloric atresia (EBS5C). Also called: PLEC-Related Epidermolysis Bullosa with Pyloric Atresia; Epidermolysis bullosa simplex with pyloric atresia; PLEC1-Related Epidermolysis Bullosa with Pyloric Atresia. Identifiers: Orphanet 158684, MedGen C2677349, MONDO:0012807, OMIM 612138.
Autosomal recessive limb-girdle muscular dystrophy type 2Q (LGMDR17). Also called: MUSCULAR DYSTROPHY, LIMB-GIRDLE, AUTOSOMAL RECESSIVE 17. Identifiers: Orphanet 254361, MedGen C3150989, MONDO:0013390, OMIM 613723.
Epidermolysis bullosa simplex with nail dystrophy (EBS5D). Identifiers: MedGen C4225309, MONDO:0014661, OMIM 616487.

Allele frequency attached by ClinVar (database versions not stated): TOPMed 0.00001; ESP Exome Variant Server 0.00008.
gnomAD v4.1: 3 of 1,612,700 alleles (0.00019%); highest among the groups gnomAD compares: South Asian, 0.0011%; no homozygotes.

Submission:

Labcorp Genetics (formerly Invitae), Labcorp
Classification: Uncertain significance for Autosomal recessive limb-girdle muscular dystrophy type 2Q; Epidermolysis bullosa simplex, Ogna type; Epidermolysis bullosa simplex with nail dystrophy; Epidermolysis bullosa simplex 5C, with pyloric atresia; Epidermolysis bullosa simplex 5B, with muscular dystrophy. Last evaluated: 2022-09-12. Review status: criteria provided, single submitter. Criteria: Invitae Variant Classification Sherloc (09022015). Collection method: clinical testing. Allele origin: germline.
Comment: This variant has not been reported in the literature in individuals affected with PLEC-related conditions. In summary, the available evidence is currently insufficient to determine the role of this variant in disease. Therefore, it has been classified as a Variant of Uncertain Significance. Advanced modeling of protein sequence and biophysical properties (such as structural, functional, and spatial information, amino acid conservation, physicochemical variation, residue mobility, and thermodynamic stability) performed at Invitae indicates that this missense variant is expected to disrupt PLEC protein function. This variant is not present in population databases (gnomAD no frequency). This sequence change replaces arginine, which is basic and polar, with histidine, which is basic and polar, at codon 123 of the PLEC protein (p.Arg123His).